The following is an entry in ClinVar:

ClinVar aggregate classification (germline): Pathogenic/Likely pathogenic. Review status: criteria provided, multiple submitters, no conflicts (2 of 4 stars). 3 submissions from 3 submitters: Pathogenic (2); Likely pathogenic (1). Last evaluated 2025-06-25.

Conditions:
Cowden syndrome 3 (CWS3). Identifiers: Orphanet 201, MedGen CN166604, MONDO:0014045.
Carney-Stratakis syndrome. Also called: PARAGANGLIOMA AND GASTROINTESTINAL STROMAL TUMOR. Identifiers: Orphanet 97286, MedGen C1847319, MONDO:0011740, OMIM 606864.
Paragangliomas with sensorineural hearing loss. Identifiers: MedGen C1868633.
Pheochromocytoma. Also called: MAX-Related Hereditary Paraganglioma-Pheochromocytoma Syndrome. Identifiers: Orphanet 29072, MedGen C0031511, MONDO:0008233, OMIM 171300, HP:0002666.
Hereditary cancer-predisposing syndrome. Also called: Tumor predisposition; Hereditary neoplastic syndrome; Neoplastic Syndromes, Hereditary; Hereditary Cancer Syndrome. Identifiers: Orphanet 140162, MedGen C0027672, MeSH D009386, MONDO:0015356.
Hereditary pheochromocytoma and paraganglioma. Also called: Hereditary paragangliomas and pheochromocytomas; Hereditary Paraganglioma-Pheochromocytoma Syndromes; Hereditary pheochromocytoma-paraganglioma. Identifiers: Orphanet 29072, MedGen C4274332, MONDO:0017366.

Submissions (3):

Color Diagnostics, LLC DBA Color Health
Classification: Likely pathogenic for Hereditary pheochromocytoma and paraganglioma. Last evaluated: 2025-06-25. Review status: criteria provided, single submitter. Criteria: ACMG Guidelines, 2015. Collection method: clinical testing. Allele origin: germline.
Comment: This missense variant replaces histidine with asparagine at codon 102 of the SDHD protein. Computational prediction suggests that this variant may have deleterious impact on protein structure and function. To our knowledge, functional studies have not been reported for this variant. This variant has been reported in several individuals with pheochromocytoma and/or paraganglioma (ClinVar variation ID: 185719). This variant has not been identified in the general population by the Genome Aggregation Database (gnomAD). Multiple different missense variants occurring at the same codon, p.His102Leu/Arg/Pro/Try, are known to be disease-causing (ClinVar variation ID: 6898, 656860, 950869, 846101). Based on the available evidence, this variant is classified as Likely Pathogenic.

Labcorp Genetics (formerly Invitae), Labcorp
Classification: Pathogenic for Carney-Stratakis syndrome; Paragangliomas with sensorineural hearing loss; Pheochromocytoma; Cowden syndrome 3. Last evaluated: 2025-02-24. Review status: criteria provided, single submitter. Criteria: Invitae Variant Classification Sherloc (09022015). Collection method: clinical testing. Allele origin: germline.
Comment: This sequence change replaces histidine, which is basic and polar, with asparagine, which is neutral and polar, at codon 102 of the SDHD protein (p.His102Asn). This variant is not present in population databases (gnomAD no frequency). This missense change has been observed in individuals with pheochromocytoma and/or paraganglioma (external communication, internal data). ClinVar contains an entry for this variant (Variation ID: 185719). Invitae Evidence Modeling of protein sequence and biophysical properties (such as structural, functional, and spatial information, amino acid conservation, physicochemical variation, residue mobility, and thermodynamic stability) indicates that this missense variant is expected to disrupt SDHD protein function with a positive predictive value of 95%. Algorithms developed to predict the effect of sequence changes on RNA splicing suggest that this variant may disrupt the consensus splice site. This variant disrupts the p.His102 amino acid residue in SDHD. Other variant(s) that disrupt this residue have been determined to be pathogenic (PMID: 10657297, 12811540, 19454582, 22025150, 22241717). This suggests that this residue is clinically significant, and that variants that disrupt this residue are likely to be disease-causing. For these reasons, this variant has been classified as Pathogenic.

Ambry Genetics
Classification: Pathogenic for Hereditary cancer-predisposing syndrome. Last evaluated: 2014-07-29. Review status: criteria provided, single submitter. Criteria: Ambry General Variant Classification Scheme_2022. Collection method: clinical testing. Allele origin: germline. Observed: 1 variant allele.
Comment: The p.H102N variant (also known as c.304C>A), located in coding exon 3 of theSDHD gene, results from a C to A substitution at nucleotide position 304. The histidine at codon 102 is replaced by asparagine, an amino acid with similar properties. This alteration has been observed in at least one individual who has a personal or family history that is consistent with SDHD-associated disease (Ambry internal data). Several other alterations at the same codon have been described in individuals with head and neck paraganglioma: p.H102L, p.H102R, p.H102Y, and p.H102P (Poeppel TD, J. Clin. Oncol. 2011 Nov; 29(33):e812-5. Piccini V, Endocr. Relat. Cancer 2012 Apr; 19(2):149-55. Baysal BE, Science 2000 Feb; 287(5454):848-51. Burnichon N, J. Clin. Endocrinol. Metab. 2009 Aug; 94(8):2817-27). Based on internal structural assessment, this alteration disrupts the residue required to bind the heme cofactor in SDHD (Sun F et al. Cell, 2005 Jul;121:1043-57). This amino acid position is highly conserved in available vertebrate species. In addition, this alteration is predicted to be probably damaging and deleterious by PolyPhen and SIFT in silico analyses, respectively. Based on the supporting evidence, this alteration is interpreted as a disease-causing mutation.

Literature cited by the submitters: PubMed 10657297 (cited by Labcorp Genetics (formerly Invitae), Labcorp and Ambry Genetics); PubMed 12811540 (cited by Labcorp Genetics (formerly Invitae), Labcorp); PubMed 19454582 (cited by Labcorp Genetics (formerly Invitae), Labcorp and Ambry Genetics); PubMed 22025150 (cited by Labcorp Genetics (formerly Invitae), Labcorp and Ambry Genetics); PubMed 22241717 (cited by Labcorp Genetics (formerly Invitae), Labcorp and Ambry Genetics); PubMed 15989954 (cited by Ambry Genetics).

NM_003002.4(SDHD):c.304C>A (p.His102Asn)

Gene: SDHD (succinate dehydrogenase complex subunit D; plus strand). Cytogenetic location: 11q23.1.
Variant type: single nucleotide variant.
Coding change: c.304C>A on transcript NM_003002.4 (MANE Select); coding-DNA position 304, C replaced by A.
Protein change: p.His102Asn; replaces histidine 102 with asparagine.
Molecular consequence: missense variant. On other transcripts: non-coding transcript variant (1), intron variant (1).
Genome position (GRCh38, 1-based): chr11:112,089,001, C>A. VCF-style: chr11-112089001-C-A. GRCh37 (hg19) VCF-style: chr11-111959725-C-A.
Other names: c.187C>A, p.His63Asn (NM_001276504.2); c.304C>A, p.His102Asn (NM_001276506.2); c.169+1028C>A (NM_001276503.2); short protein forms H102N, H63N.
Identifiers: ClinVar variation 185719 (VCV000185719.16), dbSNP rs786202403, ClinGen allele CA016659.